The following is an entry in ClinVar:

NM_001042492.3(NF1):c.7121T>G (p.Met2374Arg)

Gene: NF1 (neurofibromin 1; plus strand). Cytogenetic location: 17q11.2.
Variant type: single nucleotide variant.
Coding change: c.7121T>G on transcript NM_001042492.3 (MANE Select); coding-DNA position 7121, T replaced by G.
Protein change: p.Met2374Arg; replaces methionine 2374 with arginine.
Molecular consequence: missense variant.
Genome position (GRCh38, 1-based): chr17:31,343,067, T>G. VCF-style: chr17-31343067-T-G. GRCh37 (hg19) VCF-style: chr17-29670085-T-G.
Other names: c.7058T>G, p.Met2353Arg (NM_000267.4); short protein forms M2374R, M2353R.
Identifiers: ClinVar variation 2014257 (VCV002014257.4), dbSNP rs2508779829, ClinGen allele CA399015635.
Genomic context (GRCh38, chr17:31,343,067, plus strand): 5'-AGAGTCCAGAGGAAGTATTTATGGCAATCCGGAATCCTCTGGAGTGGCACTGCAAGCAAA[T>G]GGATCATTTTGTTGGACTCAATTTCAACTCTAACTTTAACTTTGCATTGGTTGGACACCT-3'
Protein context (NP_001035957.1, residues 2364-2384): RNPLEWHCKQ[Met2374Arg]DHFVGLNFNS

ClinVar aggregate classification (germline): Uncertain significance (1 of 4 stars; one submission).

Conditions:
Neurofibromatosis, type 1 (NF1). Also called: Neurofibromatosis, type I; Peripheral type neurofibromatosis; VON RECKLINGHAUSEN DISEASE; NEUROFIBROMATOSIS, TYPE I, SOMATIC. Identifiers: Orphanet 636, MedGen C0027831, MONDO:0018975, OMIM 162200. Disease mechanism: loss of function.

Submission:

Labcorp Genetics (formerly Invitae), Labcorp
Classification: Uncertain significance for Neurofibromatosis, type 1. Last evaluated: 2022-09-06. Review status: criteria provided, single submitter. Criteria: Invitae Variant Classification Sherloc (09022015). Collection method: clinical testing. Allele origin: germline.
Comment: In summary, the available evidence is currently insufficient to determine the role of this variant in disease. Therefore, it has been classified as a Variant of Uncertain Significance. Advanced modeling of protein sequence and biophysical properties (such as structural, functional, and spatial information, amino acid conservation, physicochemical variation, residue mobility, and thermodynamic stability) performed at Invitae indicates that this missense variant is expected to disrupt NF1 protein function. This variant has not been reported in the literature in individuals affected with NF1-related conditions. This variant is not present in population databases (gnomAD no frequency). This sequence change replaces methionine, which is neutral and non-polar, with arginine, which is basic and polar, at codon 2353 of the NF1 protein (p.Met2353Arg).